The following is an entry in ClinVar:

ClinVar aggregate classification (germline): Conflicting classifications of pathogenicity. Review status: criteria provided, conflicting classifications (1 of 4 stars). 7 submissions from 7 submitters: Uncertain significance (1); Benign (3); Likely benign (3). Last evaluated 2026-01-04.

Conditions:
Hereditary cancer-predisposing syndrome. Also called: Neoplastic Syndromes, Hereditary; Hereditary Cancer Syndrome; Tumor predisposition; Hereditary neoplastic syndrome. Identifiers: Orphanet 140162, MedGen C0027672, MeSH D009386, MONDO:0015356.
Tuberous sclerosis syndrome (TSC). Also called: Tuberous sclerosis; Tuberous Sclerosis Complex. Identifiers: Orphanet 805, MedGen C0041341, MONDO:0001734.
Tuberous sclerosis 2 (TSC2). Identifiers: Orphanet 805, MedGen C1860707, MONDO:0013199, OMIM 613254.

Allele frequency attached by ClinVar (database versions not stated): gnomAD 0.00002; gnomAD exomes 0.00002; TOPMed 0.00002; ExAC 0.00004.
gnomAD v4.1: 22 of 1,613,456 alleles (0.0014%); highest among the groups gnomAD compares: East Asian, 0.0022%; no homozygotes.

Submissions (7):

Labcorp Genetics (formerly Invitae), Labcorp
Classification: Benign for Tuberous sclerosis 2. Last evaluated: 2026-01-04. Review status: criteria provided, single submitter. Criteria: Invitae Variant Classification Sherloc (09022015). Collection method: clinical testing. Allele origin: germline.

Myriad Genetics, Inc.
Classification: Benign for Tuberous sclerosis 2. Last evaluated: 2025-05-21. Review status: criteria provided, single submitter. Criteria: Myriad Autosomal Dominant, Autosomal Recessive and X-Linked Classification Criteria (2023). Collection method: clinical testing. Allele origin: unknown.
Comment: This variant is considered benign. This variant is intronic and is not expected to impact mRNA splicing. This variant has been observed at a population frequency that is significantly greater than expected given the associated disease prevalence and penetrance.

Color Diagnostics, LLC DBA Color Health
Classification: Uncertain significance for Tuberous sclerosis syndrome. Last evaluated: 2024-01-29. Review status: criteria provided, single submitter. Criteria: ACMG Guidelines, 2015. Collection method: clinical testing. Allele origin: germline.
Comment: This variant causes a G to A nucleotide substitution at the +4 position of intron 24 of the TSC2 gene. To our knowledge, RNA studies have not been reported for this variant. This variant has not been reported in individuals affected with TSC2-related disorders in the literature. This variant has been identified in 6/250256 chromosomes in the general population by the Genome Aggregation Database (gnomAD). The available evidence is insufficient to determine the role of this variant in disease conclusively. Therefore, this variant is classified as a Variant of Uncertain Significance.

Genome-Nilou Lab
Classification: Benign for Tuberous sclerosis 2. Last evaluated: 2021-11-07. Review status: criteria provided, single submitter. Criteria: ACMG Guidelines, 2015. Collection method: clinical testing. Allele origin: germline. Affected: no.

Blueprint Genetics
Classification: Likely benign. Last evaluated: 2020-05-15. Review status: criteria provided, single submitter. Criteria: ACMG Guidelines, 2015. Collection method: clinical testing. Allele origin: germline.

GeneDx
Classification: Likely benign. Last evaluated: 2018-02-05. Review status: criteria provided, single submitter. Criteria: GeneDx Variant Classification (06012015). Collection method: clinical testing. Allele origin: germline. Affected: yes.
Comment: This variant is considered likely benign or benign based on one or more of the following criteria: it is a conservative change, it occurs at a poorly conserved position in the protein, it is predicted to be benign by multiple in silico algorithms, and/or has population frequency not consistent with disease.

Ambry Genetics
Classification: Likely benign for Hereditary cancer-predisposing syndrome. Last evaluated: 2015-09-28. Review status: criteria provided, single submitter. Criteria: Ambry Variant Classification Scheme 2023. Collection method: clinical testing. Allele origin: germline.

NM_000548.5(TSC2):c.2742+4G>A

Gene: TSC2 (TSC complex subunit 2; plus strand). Cytogenetic location: 16p13.3.
Variant type: single nucleotide variant.
Coding change: c.2742+4G>A on transcript NM_000548.5 (MANE Select); 4 bases into the intron after coding-DNA position 2742, G replaced by A.
Molecular consequence: intron variant.
Genome position (GRCh38, 1-based): chr16:2,076,174, G>A. VCF-style: chr16-2076174-G-A. GRCh37 (hg19) VCF-style: chr16-2126175-G-A.
Other names: c.2742+4G>A (NM_001114382.3, NM_021055.3, NM_001370405.1 and 3 more transcripts); c.2631+4G>A (NM_001318827.2); c.2142+4G>A (NM_001318831.2); c.2595+4G>A (NM_001318829.2); c.2775+4G>A (NM_001318832.2).
Identifiers: ClinVar variation 141356 (VCV000141356.20), dbSNP rs587781683, ClinGen allele CA017999.
Genomic context (GRCh38, chr16:2,076,174, plus strand): 5'-TGGTTCATCAGGTGCCGCCTGCCCTTCCGGAAGGATTTTGTCCCTTTCATCACTAAGGTG[G>A]GCTCAGGGCCGGTGAAGGCTGTGTCTCTCGGTAGGCCAGGGCTTGCTTTGCCCTTGGCTG-3'